The following is an entry in ClinVar:

ClinVar aggregate classification (germline): Likely pathogenic (1 of 4 stars; one submission).

Conditions:
Metaphyseal chondrodysplasia, Schmid type (MCDS). Also called: SPONDYLOMETAPHYSEAL DYSPLASIA, JAPANESE TYPE. Identifiers: Orphanet 174, MedGen C0265289, MONDO:0007983, OMIM 156500.

Submission:

Department of Pediatric Genetics, University of Health Sciences, Ankara Bilkent City Children’s Hospital
Classification: Likely pathogenic for Metaphyseal chondrodysplasia, Schmid type. Last evaluated: 2026-07-01. Review status: criteria provided, single submitter. Criteria: ACMG Guidelines, 2015. Collection method: clinical testing. Allele origin: maternal. Affected: yes.
Comment: The c.1744T>G (p.Tyr582Asp) variant in the COL10A1 gene (NM_000493.4) is a missense variant located in exon 3. The variant was identified in the heterozygous state. is located within the highly conserved NC1 domain of collagen X, a critical region in which pathogenic variants are known to cluster (PM1). The variant is absent from population databases, including gnomAD (PM2). Segregation analysis demonstrated the presence of the variant in all affected family members tested (PP1). Multiple in silico prediction tools supported a deleterious effect on protein function (PP3). In summary, this variant meets the criteria to be classified as likely pathogenic for Schmid metaphyseal chondrodysplasia (OMIM #156500), based on the ACMG/AMP guidelines (Richards et al., 2015), with supporting evidence from criteria PM1, PM2, PP1, and PP3.

NM_000493.4(COL10A1):c.1744T>G (p.Tyr582Asp)

Genes: COL10A1 (collagen type X alpha 1 chain; minus strand), NT5DC1 (5'-nucleotidase domain containing 1; plus strand). Cytogenetic location: 6q22.1.
Variant type: single nucleotide variant.
Coding change: c.1744T>G on transcript NM_000493.4 (MANE Select); coding-DNA position 1744, T replaced by G.
Protein change: p.Tyr582Asp; replaces tyrosine 582 with aspartic acid.
Molecular consequence: missense variant. On other transcripts: intron variant (1).
Genome position (GRCh38, 1-based): chr6:116,120,372, A>C on the plus strand (T>G on the coding strand, the complement: COL10A1 is on the minus strand). VCF-style: chr6-116120372-A-C. GRCh37 (hg19) VCF-style: chr6-116441535-A-C.
Other names: c.1744T>G, p.Tyr582Asp (NM_001424106.1, NM_001424107.1); c.529+2427A>C (NM_152729.3); short protein forms Y582D.
Identifiers: ClinVar variation 4857751 (VCV004857751.1).